The following is an entry in ClinVar:

ClinVar aggregate classification (germline): Uncertain significance. Review status: criteria provided, multiple submitters, no conflicts (2 of 4 stars). 4 submissions from 4 submitters: Uncertain significance (3). 1 of the submissions does not count toward it. Last evaluated 2024-11-07.

Conditions:
C3-related disorder. Also called: C3-related condition.
Inborn genetic diseases. Identifiers: MedGen C0950123, MeSH D030342.
Age related macular degeneration 9. Identifiers: MedGen C1969651, MONDO:0012659, OMIM 611378.
Atypical hemolytic-uremic syndrome with C3 anomaly. Also called: AHUS, SUSCEPTIBILITY TO, 5. Identifiers: Orphanet 2134, MedGen C2752037, MONDO:0013043, OMIM 612925.
Complement component 3 deficiency. Identifiers: Orphanet 280133, MedGen C3151071, MONDO:0013417, OMIM 613779.

Allele frequency attached by ClinVar (database versions not stated): gnomAD exomes below 0.00001; ExAC 0.00002; gnomAD 0.00002; TOPMed 0.00009.
gnomAD v4.1: 7 of 1,614,030 alleles (0.00043%); highest among the groups gnomAD compares: Admixed American, 0.0067%; no homozygotes.

Submissions (4):

Ambry Genetics
Classification: Uncertain significance for Inborn genetic diseases. Last evaluated: 2024-11-07. Review status: criteria provided, single submitter. Criteria: Ambry Variant Classification Scheme 2023. Collection method: clinical testing. Allele origin: germline.

Labcorp Genetics (formerly Invitae), Labcorp
Classification: Uncertain significance. Last evaluated: 2024-09-18. Review status: criteria provided, single submitter. Criteria: Invitae Variant Classification Sherloc (09022015). Collection method: clinical testing. Allele origin: germline.
Comment: This sequence change replaces glutamine, which is neutral and polar, with arginine, which is basic and polar, at codon 856 of the C3 protein (p.Gln856Arg). This variant is present in population databases (rs765023130, gnomAD 0.007%). This variant has not been reported in the literature in individuals affected with C3-related conditions. ClinVar contains an entry for this variant (Variation ID: 1902305). Invitae Evidence Modeling of protein sequence and biophysical properties (such as structural, functional, and spatial information, amino acid conservation, physicochemical variation, residue mobility, and thermodynamic stability) indicates that this missense variant is not expected to disrupt C3 protein function with a negative predictive value of 80%. In summary, the available evidence is currently insufficient to determine the role of this variant in disease. Therefore, it has been classified as a Variant of Uncertain Significance.

Fulgent Genetics
Classification: Uncertain significance for Age related macular degeneration 9; Atypical hemolytic-uremic syndrome with C3 anomaly; Complement component 3 deficiency. Last evaluated: 2024-06-18. Review status: criteria provided, single submitter. Criteria: ACMG Guidelines, 2015. Collection method: clinical testing. Allele origin: germline.

PreventionGenetics, part of Exact Sciences
Classification: Uncertain significance for C3-related condition. Last evaluated: 2023-12-20. Review status: no assertion criteria provided. Collection method: clinical testing. Allele origin: germline. Not counted in ClinVar's aggregate classification.
Comment: The C3 c.2567A>G variant is predicted to result in the amino acid substitution p.Gln856Arg. To our knowledge, this variant has not been reported in the literature. This variant is reported in 0.0062% of alleles in individuals of African descent in gnomAD. At this time, the clinical significance of this variant is uncertain due to the absence of conclusive functional and genetic evidence.

NM_000064.4(C3):c.2567A>G (p.Gln856Arg)

Gene: C3 (complement C3; minus strand). Cytogenetic location: 19p13.3.
Variant type: single nucleotide variant.
Coding change: c.2567A>G on transcript NM_000064.4 (MANE Select); coding-DNA position 2567, A replaced by G.
Protein change: p.Gln856Arg; replaces glutamine 856 with arginine.
Molecular consequence: missense variant.
Genome position (GRCh38, 1-based): chr19:6,697,668, T>C on the plus strand (A>G on the coding strand, the complement: C3 is on the minus strand). VCF-style: chr19-6697668-T-C. GRCh37 (hg19) VCF-style: chr19-6697679-T-C.
Other names: c.2567A>G (NM_000064.3); short protein forms Q856R.
Identifiers: ClinVar variation 1902305 (VCV001902305.9), dbSNP rs765023130, ClinGen allele CA9129036.